The following is an entry in ClinVar:

ClinVar aggregate classification (germline): Likely pathogenic (1 of 4 stars; one submission).

Conditions:
Autosomal recessive FKRP-related disorders.

Submission:

Variantyx, Inc.
Classification: Likely pathogenic for Autosomal recessive FKRP-related disorders. Last evaluated: 2025-08-12. Review status: criteria provided, single submitter. Criteria: Variantyx Assertion Criteria 2022. Collection method: clinical testing. Allele origin: germline. Inheritance: Autosomal recessive inheritance. Affected: no.
Comment: This is a frameshift variant in the FKRP gene (OMIM: 606596). Pathogenic variants in this gene have been associated with autosomal recessive FKRP-related disorders. This variant introduces a premature termination codon in exon 4 out of 4 and is expected to result in loss of function, which is a known disease mechanism for FKRP in this disorder (PVS1) (PMID:11592034). This variant is absent from control populations (PM2). Based on the current evidence, this variant is classified as likely pathogenic for autosomal recessive FKRP-related disorders.

Literature cited by the submitters: PubMed 11592034.

NM_024301.5(FKRP):c.561_570del (p.Pro189fs)

Gene: FKRP (fukutin related protein; plus strand). Cytogenetic location: 19q13.32.
Variant type: Deletion.
Coding change: c.561_570del on transcript NM_024301.5 (MANE Select); coding-DNA positions 561 to 570, 10 bases deleted (CGCGCCCCGC; older notation c.561_570delCGCGCCCCGC).
Protein change: p.Pro189fs; shifts the reading frame from proline 189.
Molecular consequence: frameshift variant.
Genome position (GRCh38, 1-based): chr19:46,756,011-46,756,020, CGCGCCCCGC deleted; deleting any 10 consecutive bases within chr19:46,756,005-46,756,020 gives the same sequence; the c. name uses the placement nearest the transcript's 3' end. VCF-style (leftmost placement, unchanged base first): chr19-46756004-CCCCCGCCGCG-C. GRCh37 (hg19) VCF-style: chr19-47259261-CCCCCGCCGCG-C.
Other names: c.561_570del, p.Pro189fs (NM_001039885.3); short protein forms P189fs.
Identifiers: ClinVar variation 4850778 (VCV004850778.1).